The following is an entry in ClinVar:

ClinVar aggregate classification (germline): Likely benign. Review status: criteria provided, multiple submitters, no conflicts (2 of 4 stars). 7 submissions from 7 submitters: Likely benign (7). Last evaluated 2025-12-22.

Conditions:
Marfan syndrome (MFS). Also called: MARFAN SYNDROME, TYPE I; FBN1-Related Marfan Syndrome; Marfan syndrome, classic; Marfan syndrome type 1; Marfan's syndrome. Identifiers: Orphanet 284963, Orphanet 558, MedGen C0024796, MONDO:0007947, OMIM 154700.
Familial thoracic aortic aneurysm and aortic dissection (TAAD). Also called: Thoracic aortic aneurysms and dissections. Identifiers: Orphanet 91387, MedGen C4707243, MONDO:0019625.

Allele frequency attached by ClinVar (database versions not stated): TOPMed 0.00001; ExAC 0.00002; gnomAD 0.00003.
gnomAD v4.1: 25 of 1,613,962 alleles (0.0015%); highest among the groups gnomAD compares: Non-Finnish European, 0.0019%; no homozygotes.

Submissions (7):

Labcorp Genetics (formerly Invitae), Labcorp
Classification: Likely benign for Marfan syndrome; Familial thoracic aortic aneurysm and aortic dissection. Last evaluated: 2025-12-22. Review status: criteria provided, single submitter. Criteria: Invitae Variant Classification Sherloc (09022015). Collection method: clinical testing. Allele origin: germline.

All of Us Research Program, National Institutes of Health
Classification: Likely benign for Marfan syndrome. Last evaluated: 2024-02-05. Review status: criteria provided, single submitter. Criteria: ACMG Guidelines, 2015. Collection method: clinical testing. Allele origin: germline. Inheritance: Autosomal dominant inheritance. Observed: 7 variant alleles, 7 heterozygotes.
Comment: This study involves interpretation of variants in research participants for the purpose of population health screening. Participant phenotype was not available at the time of variant classification. Additional details can be found in publication PMID: 35346344, PMCID: PMC8962531

Blueprint Genetics
Classification: Likely benign. Last evaluated: 2021-01-22. Review status: criteria provided, single submitter. Criteria: ACMG Guidelines, 2015. Collection method: clinical testing. Allele origin: germline.

GeneDx
Classification: Likely benign. Last evaluated: 2020-01-30. Review status: criteria provided, single submitter. Criteria: GeneDx Variant Classification Process June 2021. Collection method: clinical testing. Allele origin: germline. Affected: yes.

Color Diagnostics, LLC DBA Color Health
Classification: Likely benign for Familial thoracic aortic aneurysm and aortic dissection. Last evaluated: 2019-11-04. Review status: criteria provided, single submitter. Criteria: ACMG Guidelines, 2015. Collection method: clinical testing. Allele origin: germline.

Women's Health and Genetics/Laboratory Corporation of America, LabCorp
Classification: Likely benign. Last evaluated: 2019-08-28. Review status: criteria provided, single submitter. Criteria: LabCorp Variant Classification Summary - May 2015. Collection method: clinical testing. Allele origin: germline.

Ambry Genetics
Classification: Likely benign for Familial thoracic aortic aneurysm and aortic dissection. Last evaluated: 2015-02-23. Review status: criteria provided, single submitter. Criteria: Ambry Variant Classification Scheme 2023. Collection method: clinical testing. Allele origin: germline.

NM_000138.5(FBN1):c.8433G>A (p.Gly2811=)

Gene: FBN1 (fibrillin 1; minus strand). Cytogenetic location: 15q21.1.
Variant type: single nucleotide variant.
Coding change: c.8433G>A on transcript NM_000138.5 (MANE Select); coding-DNA position 8433, G replaced by A.
Protein change: p.Gly2811=; no amino-acid change (glycine 2811 retained).
Molecular consequence: synonymous variant.
Genome position (GRCh38, 1-based): chr15:48,411,173, C>T on the plus strand (G>A on the coding strand, the complement: FBN1 is on the minus strand). VCF-style: chr15-48411173-C-T. GRCh37 (hg19) VCF-style: chr15-48703370-C-T.
Identifiers: ClinVar variation 263910 (VCV000263910.24), dbSNP rs771873118, ClinGen allele CA060006.